The following is an entry in ClinVar:

ClinVar aggregate classification (germline): Uncertain significance (1 of 4 stars; one submission).

Conditions:
Myofibrillar myopathy 4. Also called: Zaspopathy (type). Identifiers: Orphanet 98912, MedGen C4721886, MONDO:0012277, OMIM 609452.

gnomAD v4.1: 4 of 1,612,876 alleles (0.00025%); highest among the groups gnomAD compares: Non-Finnish European, 0.00034%; no homozygotes.

Submission:

Labcorp Genetics (formerly Invitae), Labcorp
Classification: Uncertain significance for Myofibrillar myopathy 4. Last evaluated: 2025-08-18. Review status: criteria provided, single submitter. Criteria: Invitae Variant Classification Sherloc (09022015). Collection method: clinical testing. Allele origin: germline.
Comment: The LDB3 gene has multiple clinically relevant transcripts. This variant occurs in alternate transcript NM_007078.3, and corresponds to NM_001080116.1:c.*7299T>G in the primary transcript. This sequence change replaces serine, which is neutral and polar, with alanine, which is neutral and non-polar, at codon 347 of the LDB3 protein (p.Ser347Ala). This variant is not present in population databases (gnomAD no frequency). This variant has not been reported in the literature in individuals affected with LDB3-related conditions. Experimental studies and prediction algorithms are not available or were not evaluated, and the functional significance of this variant is currently unknown. In summary, the available evidence is currently insufficient to determine the role of this variant in disease. Therefore, it has been classified as a Variant of Uncertain Significance.

NM_007078.3(LDB3):c.1039T>G (p.Ser347Ala)

Gene: LDB3 (LIM domain binding 3; plus strand). Cytogenetic location: 10q23.2.
Variant type: single nucleotide variant.
Coding change: c.1039T>G on transcript NM_007078.3 (MANE Select); coding-DNA position 1039, T replaced by G.
Protein change: p.Ser347Ala; replaces serine 347 with alanine.
Molecular consequence: missense variant. On other transcripts: intron variant (4).
Genome position (GRCh38, 1-based): chr10:86,706,673, T>G. VCF-style: chr10-86706673-T-G. GRCh37 (hg19) VCF-style: chr10-88466430-T-G.
Other names: c.898T>G, p.Ser300Ala (NM_001368066.1); c.897-3232T>G (NM_001368064.1, NM_001368065.1); c.1101-3232T>G (NM_001171610.2); c.756-3232T>G (NM_001080114.2); short protein forms S300A, S347A.
Identifiers: ClinVar variation 4812043 (VCV004812043.1).